The following is an entry in ClinVar:

NM_032043.3(BRIP1):c.1652C>T (p.Ala551Val)

Gene: BRIP1 (BRCA1 interacting DNA helicase 1; minus strand). Cytogenetic location: 17q23.2.
Variant type: single nucleotide variant.
Coding change: c.1652C>T on transcript NM_032043.3 (MANE Select); coding-DNA position 1652, C replaced by T.
Protein change: p.Ala551Val; replaces alanine 551 with valine.
Molecular consequence: missense variant.
Genome position (GRCh38, 1-based): chr17:61,780,982, G>A on the plus strand (C>T on the coding strand, the complement: BRIP1 is on the minus strand). VCF-style: chr17-61780982-G-A. GRCh37 (hg19) VCF-style: chr17-59858343-G-A.
Other names: short protein forms A551V.
Identifiers: ClinVar variation 141754 (VCV000141754.38), dbSNP rs375246789, ClinGen allele CA166303.

ClinVar aggregate classification (germline): Uncertain significance. Review status: criteria provided, multiple submitters, no conflicts (2 of 4 stars). 9 submissions from 9 submitters: Uncertain significance (9). Last evaluated 2025-09-24.

Conditions:
Familial cancer of breast. Also called: Hereditary breast cancer; hereditary breast carcinoma; BREAST CANCER, FAMILIAL. Identifiers: Orphanet 227535, MedGen C0346153, MONDO:0016419, OMIM 114480. Disease mechanism: loss of function.
Fanconi anemia complementation group J. Also called: BRIP1-Related Fanconi Anemia. Identifiers: Orphanet 84, MedGen C1836860, MONDO:0012187, OMIM 609054.
Hereditary cancer-predisposing syndrome. Also called: Tumor predisposition; Hereditary neoplastic syndrome; Hereditary Cancer Syndrome; Neoplastic Syndromes, Hereditary. Identifiers: Orphanet 140162, MedGen C0027672, MeSH D009386, MONDO:0015356.

Allele frequency attached by ClinVar (database versions not stated): ExAC 0.00001; TOPMed 0.00004; ESP Exome Variant Server 0.00008.
gnomAD v4.1: 18 of 1,613,646 alleles (0.0011%); highest among the groups gnomAD compares: South Asian, 0.0022%; no homozygotes.

Submissions (9):

Labcorp Genetics (formerly Invitae), Labcorp
Classification: Uncertain significance for Familial cancer of breast; Fanconi anemia complementation group J. Last evaluated: 2025-09-24. Review status: criteria provided, single submitter. Criteria: Invitae Variant Classification Sherloc (09022015). Collection method: clinical testing. Allele origin: germline.
Comment: This sequence change replaces alanine, which is neutral and non-polar, with valine, which is neutral and non-polar, at codon 551 of the BRIP1 protein (p.Ala551Val). This variant is present in population databases (rs375246789, gnomAD 0.002%). This missense change has been observed in individual(s) with breast cancer (PMID: 26921362, 31822495). ClinVar contains an entry for this variant (Variation ID: 141754). Invitae Evidence Modeling of protein sequence and biophysical properties (such as structural, functional, and spatial information, amino acid conservation, physicochemical variation, residue mobility, and thermodynamic stability) indicates that this missense variant is not expected to disrupt BRIP1 protein function with a negative predictive value of 95%. In summary, the available evidence is currently insufficient to determine the role of this variant in disease. Therefore, it has been classified as a Variant of Uncertain Significance.

CeGaT Center for Human Genetics Tuebingen
Classification: Uncertain significance. Last evaluated: 2025-08-01. Review status: criteria provided, single submitter. Criteria: CeGaT Center For Human Genetics Tuebingen Variant Classification Criteria Version 2. Collection method: clinical testing. Allele origin: germline. Affected: yes. Observed: 1 variant allele.

Ambry Genetics
Classification: Uncertain significance for Hereditary cancer-predisposing syndrome. Last evaluated: 2024-12-30. Review status: criteria provided, single submitter. Criteria: Ambry Variant Classification Scheme 2023. Collection method: clinical testing. Allele origin: germline.
Comment: The p.A551V variant (also known as c.1652C>T), located in coding exon 11 of the BRIP1 gene, results from a C to T substitution at nucleotide position 1652. The alanine at codon 551 is replaced by valine, an amino acid with similar properties. This variant has been observed in individuals with a personal history of breast cancer (Easton DF et al. J Med Genet, 2016 May;53:298-309, Moyer CL et al. Cancer Res. 2020 Feb;80:857-867). This amino acid position is highly conserved in available vertebrate species. In addition, the in silico prediction for this alteration is inconclusive. Since supporting evidence is limited at this time, the clinical significance of this alteration remains unclear.

Baylor Genetics
Classification: Uncertain significance for Familial cancer of breast. Last evaluated: 2024-03-19. Review status: criteria provided, single submitter. Criteria: ACMG Guidelines, 2015. Collection method: clinical testing. Allele origin: unknown.

GeneDx
Classification: Uncertain significance. Last evaluated: 2023-11-08. Review status: criteria provided, single submitter. Criteria: GeneDx Variant Classification Process June 2021. Collection method: clinical testing. Allele origin: germline. Affected: yes.
Comment: Not observed at significant frequency in large population cohorts (gnomAD); In silico analysis supports that this missense variant does not alter protein structure/function; Has not been previously published as pathogenic or benign to our knowledge

Quest Diagnostics Nichols Institute San Juan Capistrano
Classification: Uncertain significance. Last evaluated: 2023-09-19. Review status: criteria provided, single submitter. Criteria: Quest Diagnostics criteria. Collection method: clinical testing. Allele origin: unknown.
Comment: In the published literature, this variant has been reported in individuals with breast cancer (PMIDs: 26921362 (2016), 31822495 (2020), 33471991 (2021) see also LOVD) and healthy individuals (PMID: 33471991 (2021) see also LOVD). The frequency of this variant in the general population, 0.000026 (3/113666 chromosomes (Genome Aggregation Database)), is uninformative in the assessment of its pathogenicity. Based on the available information, we are unable to determine the clinical significance of this variant.

Color Diagnostics, LLC DBA Color Health
Classification: Uncertain significance for Hereditary cancer-predisposing syndrome. Last evaluated: 2021-01-05. Review status: criteria provided, single submitter. Criteria: ACMG Guidelines, 2015. Collection method: clinical testing. Allele origin: germline.
Comment: This missense variant replaces alanine with valine at codon 551 of the BRIP1 protein. Computational prediction suggests that this variant may not impact protein structure and function (internally defined REVEL score threshold <= 0.5, PMID: 27666373). To our knowledge, functional studies have not been reported for this variant. This variant has been observed in individuals affected with breast cancer (PMID: 26921362, 31822495). This variant has been identified in 3/251238 chromosomes in the general population by the Genome Aggregation Database (gnomAD). The available evidence is insufficient to determine the role of this variant in disease conclusively. Therefore, this variant is classified as a Variant of Uncertain Significance.

Blueprint Genetics
Classification: Uncertain significance. Last evaluated: 2020-04-30. Review status: criteria provided, single submitter. Criteria: ACMG Guidelines, 2015. Collection method: clinical testing. Allele origin: germline.

Illumina Laboratory Services, Illumina
Classification: Uncertain significance for Fanconi anemia complementation group J. Last evaluated: 2018-01-12. Review status: criteria provided, single submitter. Criteria: ICSL Variant Classification Criteria 13 December 2019. Collection method: clinical testing. Allele origin: germline.

Literature cited by the submitters: PubMed 26921362 (cited by 3 submitters); PubMed 31822495 (cited by 3 submitters); PubMed 33471991 (cited by Quest Diagnostics Nichols Institute San Juan Capistrano).